The following is an entry in ClinVar:

ClinVar aggregate classification (germline): Uncertain significance (1 of 4 stars; one submission).

Conditions:
Endocrine-cerebro-osteodysplasia syndrome. Identifiers: Orphanet 199332, MedGen C2675227, MONDO:0012980, OMIM 612651.

gnomAD v4.1: 2 of 1,614,110 alleles (0.00012%); highest among the groups gnomAD compares: Admixed American, 0.0017%; no homozygotes.

Submission:

OLLIN Analises Genomicas, OLLIN
Classification: Uncertain significance for Endocrine-cerebro-osteodysplasia syndrome. Last evaluated: 2026-08-06. Review status: criteria provided, single submitter. Criteria: ACMG Guidelines 2015 PMID 25741868. Collection method: clinical testing. Allele origin: germline. Inheritance: Autosomal recessive inheritance.
Comment: This missense variant, located in exon 9 (of 14), has been observed in gnomAD with an allele frequency of 0.00012%, but has not been reported in ClinVar or identified in the literature. In silico analysis predicts that this variant has a tolerated effect. According to the currently available evidence, this variant has been classified as uncertain significance (PM2_P, BP4_M).

NM_014920.5(CILK1):c.907C>A (p.Pro303Thr)

Gene: CILK1 (ciliogenesis associated kinase 1; minus strand). Cytogenetic location: 6p12.1.
Variant type: single nucleotide variant.
Coding change: c.907C>A on transcript NM_014920.5 (MANE Select); coding-DNA position 907, C replaced by A.
Protein change: p.Pro303Thr; replaces proline 303 with threonine.
Molecular consequence: missense variant. On other transcripts: non-coding transcript variant (1).
Genome position (GRCh38, 1-based): chr6:53,013,907, G>T on the plus strand (C>A on the coding strand, the complement: CILK1 is on the minus strand). VCF-style: chr6-53013907-G-T. GRCh37 (hg19) VCF-style: chr6-52878705-G-T.
Other names: c.907C>A, p.Pro303Thr (NM_001375397.1, NM_001375398.1, NM_001375399.1 and 4 more transcripts); short protein forms P303T.
Identifiers: ClinVar variation 5002710 (VCV005002710.1).